The following is an entry in ClinVar:

ClinVar aggregate classification (germline): Conflicting classifications of pathogenicity. Review status: criteria provided, conflicting classifications (1 of 4 stars). 2 submissions from 2 submitters: Likely pathogenic (1); Uncertain significance (1). Last evaluated 2021-07-30.

Conditions:
HUWE1-related neurodevelopmental disorder.
Inborn genetic diseases. Identifiers: MedGen C0950123, MeSH D030342.

Allele frequency attached by ClinVar (database versions not stated): gnomAD exomes below 0.00001.
gnomAD v4.1: 1 of 1,208,094 alleles (0.000083%); highest among the groups gnomAD compares: Non-Finnish European, 0.00011%; no homozygotes.

Submissions (2):

Ambry Genetics
Classification: Uncertain significance for Inborn genetic diseases. Last evaluated: 2021-07-30. Review status: criteria provided, single submitter. Criteria: Ambry Variant Classification Scheme 2023. Collection method: clinical testing. Allele origin: germline.
Comment: The c.13070G>A (p.R4357H) alteration is located in exon 84 (coding exon 81) of the HUWE1 gene. This alteration results from a G to A substitution at nucleotide position 13070, causing the arginine (R) at amino acid position 4357 to be replaced by a histidine (H). This variant was not reported in population-based cohorts in the Genome Aggregation Database (gnomAD). This amino acid position is highly conserved in available vertebrate species. This alteration is predicted to be tolerated by in silico analysis. Based on insufficient or conflicting evidence, the clinical significance of this alteration remains unclear.

Victorian Clinical Genetics Services, Murdoch Childrens Research Institute
Classification: Likely pathogenic for HUWE1-related neurodevelopmental disorder. Last evaluated: 2018-02-17. Review status: criteria provided, single submitter. Criteria: ACMG Guidelines, 2015. Collection method: clinical testing. Allele origin: de novo. Affected: yes. Observed: 1 variant allele.
Comment: A heterozygous missense variant, NM_031407.5(HUWE1):c.13070G>A, has been identified in exon 84 of 84 of the HUWE1 gene. The variant is predicted to result in a minor amino acid change from arginine to histidine at position 4357 of the protein (NP_113584.3(HUWE1):p.(Arg4357His)). The arginine residue at this position has very high conservation (100 vertebrates, UCSC), and is located within the HECT functional domain. In-silico predictions for this variant are consistently pathogenic (Polyphen, CADD, Mutation Taster). The variant is absent in population databases (gnomAD). This variant has not been previously reported in clinical cases. Subsequent analysis of parental samples indicated this variant to be de novo. Based on the information available at the time of curation, this variant has been classified as LIKELY PATHOGENIC.

NM_031407.7(HUWE1):c.13070G>A (p.Arg4357His)

Gene: HUWE1 (HECT, UBA and WWE domain containing E3 ubiquitin protein ligase 1; minus strand). Cytogenetic location: Xp11.22.
Variant type: single nucleotide variant.
Coding change: c.13070G>A on transcript NM_031407.7 (MANE Select); coding-DNA position 13070, G replaced by A.
Protein change: p.Arg4357His; replaces arginine 4357 with histidine.
Molecular consequence: missense variant.
Genome position (GRCh38, 1-based): chrX:53,533,364, C>T on the plus strand (G>A on the coding strand, the complement: HUWE1 is on the minus strand). VCF-style: chrX-53533364-C-T. GRCh37 (hg19) VCF-style: chrX-53560325-C-T.
Other names: short protein forms R4357H.
Identifiers: ClinVar variation 870389 (VCV000870389.6), dbSNP rs2060850988, ClinGen allele CA413142795.